The following is an entry in ClinVar:

ClinVar aggregate classification (germline): Likely benign (0 of 4 stars; one submission).

Conditions:
PLXNA3-related disorder. Also called: PLXNA3-related condition.

Allele frequency attached by ClinVar (database versions not stated): gnomAD exomes 0.00003; TOPMed 0.00003; gnomAD 0.00004; ExAC 0.00007; ESP Exome Variant Server 0.00019.
gnomAD v4.1: 40 of 1,207,231 alleles (0.0033%); highest among the groups gnomAD compares: African/African-American, 0.007%; no homozygotes.

Submission:

PreventionGenetics, part of Exact Sciences
Classification: Likely benign for PLXNA3-related condition. Last evaluated: 2021-06-09. Review status: no assertion criteria provided. Collection method: clinical testing. Allele origin: germline.
Comment: This variant is classified as likely benign based on ACMG/AMP sequence variant interpretation guidelines (Richards et al. 2015 PMID: 25741868, with internal and published modifications).

NM_017514.5(PLXNA3):c.1767C>T (p.Ser589=)

Gene: PLXNA3 (plexin A3; plus strand). Cytogenetic location: Xq28.
Variant type: single nucleotide variant.
Coding change: c.1767C>T on transcript NM_017514.5 (MANE Select); coding-DNA position 1767, C replaced by T.
Protein change: p.Ser589=; no amino-acid change (serine 589 retained).
Molecular consequence: synonymous variant.
Genome position (GRCh38, 1-based): chrX:154,464,252, C>T. VCF-style: chrX-154464252-C-T. GRCh37 (hg19) VCF-style: chrX-153692595-C-T.
Identifiers: ClinVar variation 3031741 (VCV003031741.2), dbSNP rs150039641, ClinGen allele CA10564167.